The following is an entry in ClinVar:

NM_003480.4(MFAP5):c.409+186_409+187insCCTAAG

Gene: MFAP5 (microfibril associated protein 5; minus strand). Cytogenetic location: 12p13.31.
Variant type: Insertion.
Coding change: c.409+186_409+187insCCTAAG on transcript NM_003480.4 (MANE Select); bases 186 to 187 of the intron after coding-DNA position 409, CCTAAG inserted.
Molecular consequence: intron variant.
Genome position: GRCh38 VCF-style: chr12-8649314-T-TCTTAGG. GRCh37 (hg19) VCF-style: chr12-8801910-T-TCTTAGG.
Other names: c.343+186_343+187insCCTAAG (NM_001297710.2); c.334+186_334+187insCCTAAG (NM_001297711.2); c.218-1112_218-1111insCCTAAG (NM_001297712.2); c.379+186_379+187insCCTAAG (NM_001297709.2).
Identifiers: ClinVar variation 678014 (VCV000678014.1), dbSNP rs377118259, ClinGen allele CA232305816.

ClinVar aggregate classification (germline): Benign (1 of 4 stars; one submission).

Allele frequency attached by ClinVar (database versions not stated): gnomAD 0.01894 and 0.02027.

Submission:

GeneDx
Classification: Benign. Last evaluated: 2018-06-16. Review status: criteria provided, single submitter. Criteria: GeneDx Variant Classification (06012015). Collection method: clinical testing. Allele origin: germline. Affected: yes.
Comment: This variant is considered likely benign or benign based on one or more of the following criteria: it is a conservative change, it occurs at a poorly conserved position in the protein, it is predicted to be benign by multiple in silico algorithms, and/or has population frequency not consistent with disease.